The following is an entry in ClinVar:

ClinVar aggregate classification (germline): Uncertain significance. Review status: criteria provided, multiple submitters, no conflicts (2 of 4 stars). 3 submissions from 3 submitters: Uncertain significance (3). Last evaluated 2025-04-24.

Conditions:
Hereditary cancer-predisposing syndrome. Also called: Neoplastic Syndromes, Hereditary; Hereditary Cancer Syndrome; Tumor predisposition; Hereditary neoplastic syndrome. Identifiers: Orphanet 140162, MedGen C0027672, MeSH D009386, MONDO:0015356.

Allele frequency attached by ClinVar (database versions not stated): TOPMed below 0.00001; gnomAD 0.00001.
gnomAD v4.1: 1 of 1,613,848 alleles (0.000062%); highest among the groups gnomAD compares: Non-Finnish European, 0.000085%; no homozygotes.

Submissions (3):

Quest Diagnostics Nichols Institute San Juan Capistrano
Classification: Uncertain significance. Last evaluated: 2025-04-24. Review status: criteria provided, single submitter. Criteria: Quest Diagnostics criteria. Collection method: clinical testing. Allele origin: unknown.
Comment: The RAD50 c.3269A>G (p.Lys1090Arg) variant has not been reported in individuals with RAD50-related conditions in the published literature. The frequency of this variant in the general population (Genome Aggregation Database) is uninformative in the assessment of its pathogenicity. Analysis of this variant using bioinformatics tools for the prediction of the effect of amino acid changes on protein structure and function yielded predictions that this variant is deleterious. Based on the available information, we are unable to determine the clinical significance of this variant.

Labcorp Genetics (formerly Invitae), Labcorp
Classification: Uncertain significance for Hereditary cancer-predisposing syndrome. Last evaluated: 2023-06-16. Review status: criteria provided, single submitter. Criteria: Invitae Variant Classification Sherloc (09022015). Collection method: clinical testing. Allele origin: germline.
Comment: ClinVar contains an entry for this variant (Variation ID: 944398). In summary, the available evidence is currently insufficient to determine the role of this variant in disease. Therefore, it has been classified as a Variant of Uncertain Significance. Advanced modeling of protein sequence and biophysical properties (such as structural, functional, and spatial information, amino acid conservation, physicochemical variation, residue mobility, and thermodynamic stability) performed at Invitae indicates that this missense variant is not expected to disrupt RAD50 protein function. This variant has not been reported in the literature in individuals affected with RAD50-related conditions. This variant is not present in population databases (gnomAD no frequency). This sequence change replaces lysine, which is basic and polar, with arginine, which is basic and polar, at codon 1090 of the RAD50 protein (p.Lys1090Arg).

Ambry Genetics
Classification: Uncertain significance for Hereditary cancer-predisposing syndrome. Last evaluated: 2015-07-23. Review status: criteria provided, single submitter. Criteria: Ambry Variant Classification Scheme 2023. Collection method: clinical testing. Allele origin: germline.
Comment: The p.K1090R variant (also known as c.3269A>G), located in coding exon 21 of the RAD50 gene, results from an A to G substitution at nucleotide position 3269. The lysine at codon 1090 is replaced by arginine, an amino acid with highly similar properties. This variant was not reported in population based cohorts in the following databases: Database of Single Nucleotide Polymorphisms (dbSNP), NHLBI Exome Sequencing Project (ESP), and 1000 Genomes Project. In the ESP, this variant was not observed in 6502 samples (13004 alleles) with coverage at this position. To date, this alteration has been detected with an allele frequency of approximately 0.002% (greater than 120000 alleles tested) in our clinical cohort. This amino acid position is well conserved in available vertebrate species. In addition, this alteration is predicted to be tolerated by in silico analysis. Since supporting evidence is limited at this time, the clinical significance of p.K1090R remains unclear.

NM_005732.4(RAD50):c.3269A>G (p.Lys1090Arg)

Gene: RAD50 (RAD50 double strand break repair protein; plus strand). Cytogenetic location: 5q31.1.
Variant type: single nucleotide variant.
Coding change: c.3269A>G on transcript NM_005732.4 (MANE Select); coding-DNA position 3269, A replaced by G.
Protein change: p.Lys1090Arg; replaces lysine 1090 with arginine.
Molecular consequence: missense variant.
Genome position (GRCh38, 1-based): chr5:132,618,174, A>G. VCF-style: chr5-132618174-A-G. GRCh37 (hg19) VCF-style: chr5-131953866-A-G.
Other names: short protein forms K1090R.
Identifiers: ClinVar variation 944398 (VCV000944398.13), dbSNP rs1374069896, ClinGen allele CA360964617.